The following is an entry in ClinVar:

ClinVar aggregate classification (germline): Benign/Likely benign. Review status: criteria provided, multiple submitters, no conflicts (2 of 4 stars). 3 submissions from 3 submitters: Benign (1); Likely benign (2). Last evaluated 2025-02-03.

Conditions:
Hereditary cancer-predisposing syndrome. Also called: Neoplastic Syndromes, Hereditary; Tumor predisposition; Hereditary Cancer Syndrome; Hereditary neoplastic syndrome. Identifiers: Orphanet 140162, MedGen C0027672, MeSH D009386, MONDO:0015356.
Hereditary nonpolyposis colorectal neoplasms. Identifiers: MedGen C0009405, MeSH D003123.
Lynch syndrome 4 (LYNCH4). Also called: Hereditary non-polyposis colorectal cancer, type 4; Colorectal cancer, hereditary nonpolyposis, type 4. Identifiers: Orphanet 144, MedGen C1838333, MONDO:0013699, OMIM 614337. Disease mechanism: loss of function.

Submissions (3):

Myriad Genetics, Inc.
Classification: Benign for Lynch syndrome 4. Last evaluated: 2025-02-03. Review status: criteria provided, single submitter. Criteria: Myriad Autosomal Dominant, Autosomal Recessive and X-Linked Classification Criteria (2023). Collection method: clinical testing. Allele origin: unknown.
Comment: This variant is considered benign. This variant is a silent/synonymous amino acid change and it is not expected to impact splicing.

Labcorp Genetics (formerly Invitae), Labcorp
Classification: Likely benign for Hereditary nonpolyposis colorectal neoplasms. Last evaluated: 2022-04-28. Review status: criteria provided, single submitter. Criteria: Invitae Variant Classification Sherloc (09022015). Collection method: clinical testing. Allele origin: germline.

Ambry Genetics
Classification: Likely benign for Hereditary cancer-predisposing syndrome. Last evaluated: 2021-08-09. Review status: criteria provided, single submitter. Criteria: Ambry Variant Classification Scheme 2023. Collection method: clinical testing. Allele origin: germline.

NM_000535.7(PMS2):c.2184T>C (p.Thr728=)

Gene: PMS2 (PMS1 homolog 2, mismatch repair system component; minus strand). Cytogenetic location: 7p22.1.
Variant type: single nucleotide variant.
Coding change: c.2184T>C on transcript NM_000535.7 (MANE Select); coding-DNA position 2184, T replaced by C.
Protein change: p.Thr728=; no amino-acid change (threonine 728 retained).
Molecular consequence: synonymous variant. On other transcripts: non-coding transcript variant (1), intron variant (2).
Genome position (GRCh38, 1-based): chr7:5,978,687, A>G on the plus strand (T>C on the coding strand, the complement: PMS2 is on the minus strand). VCF-style: chr7-5978687-A-G. GRCh37 (hg19) VCF-style: chr7-6018318-A-G.
Other names: c.1779T>C, p.Thr593= (NM_001406887.1, NM_001406888.1, NM_001406889.1 and 15 more transcripts); c.1719T>C, p.Thr573= (NM_001406900.1); c.1710T>C, p.Thr570= (NM_001406901.1, NM_001406902.1); c.1698T>C, p.Thr566= (NM_001406903.1); c.1671T>C, p.Thr557= (NM_001406904.1, NM_001406905.1); c.1623T>C, p.Thr541= (NM_001406906.1, NM_001406907.1, NM_001322010.2); c.1611T>C, p.Thr537= (NM_001406908.1, NM_001406909.1, NM_001322013.2); c.1413T>C, p.Thr471= (NM_001406911.1); and 16 more.
Identifiers: ClinVar variation 1787314 (VCV001787314.8), dbSNP rs2535399511, ClinGen allele CA453642738.